The following is an entry in ClinVar:

NM_002860.4(ALDH18A1):c.2335A>G (p.Ser779Gly)

Gene: ALDH18A1 (aldehyde dehydrogenase 18 family member A1; minus strand). Cytogenetic location: 10q24.1.
Variant type: single nucleotide variant.
Coding change: c.2335A>G on transcript NM_002860.4 (MANE Select); coding-DNA position 2335, A replaced by G.
Protein change: p.Ser779Gly; replaces serine 779 with glycine.
Molecular consequence: missense variant.
Genome position (GRCh38, 1-based): chr10:95,606,815, T>C on the plus strand (A>G on the coding strand, the complement: ALDH18A1 is on the minus strand). VCF-style: chr10-95606815-T-C. GRCh37 (hg19) VCF-style: chr10-97366572-T-C.
Other names: c.2329A>G, p.Ser777Gly (NM_001017423.2, NM_001323415.2); c.2002A>G, p.Ser668Gly (NM_001323412.2, NM_001323416.2); c.2335A>G, p.Ser779Gly (NM_001323413.2, NM_001323414.2); c.2230A>G, p.Ser744Gly (NM_001323417.2); c.1996A>G, p.Ser666Gly (NM_001323418.2); c.1699A>G, p.Ser567Gly (NM_001323419.2); short protein forms S668G, S779G, S666G, S777G, S567G, S744G.
Identifiers: ClinVar variation 706379 (VCV000706379.29), dbSNP rs143874727, ClinGen allele CA5620084.

ClinVar aggregate classification (germline): Conflicting classifications of pathogenicity. Review status: criteria provided, conflicting classifications (1 of 4 stars). 6 submissions from 6 submitters: Uncertain significance (2); Likely benign (4). Last evaluated 2025-12-24.

Conditions:
Cutis laxa, autosomal dominant 3 (ADCL3). Identifiers: Orphanet 90348, MedGen C4225268, MONDO:0014706, OMIM 616603.
Autosomal dominant spastic paraplegia type 9. Identifiers: MedGen C1832669, MONDO:0015091.
de Barsy syndrome. Also called: Cutis laxa-corneal clouding-oligophrenia syndrome. Identifiers: Orphanet 2962, MedGen C0268354, MONDO:0017569.
Inborn genetic diseases. Identifiers: MedGen C0950123, MeSH D030342.
ALDH18A1-related de Barsy syndrome. Also called: Cutis laxa, autosomal recessive IIIA; DE BARSY SYNDROME A. Identifiers: Orphanet 2962, Orphanet 35664, MedGen C5234852, MONDO:0009053, OMIM 219150.
ALDH18A1-related disorder. Also called: ALDH18A1-related disorders.

Allele frequency attached by ClinVar (database versions not stated): gnomAD 0.00013 and 0.00014; gnomAD exomes 0.00013 and 0.00027; TOPMed 0.00015; ExAC 0.00026; ESP Exome Variant Server 0.00038.
gnomAD v4.1: 223 of 1,614,040 alleles (0.014%); highest among the groups gnomAD compares: Non-Finnish European, 0.0039%; no homozygotes.

Submissions (6):

Labcorp Genetics (formerly Invitae), Labcorp
Classification: Likely benign for Autosomal dominant spastic paraplegia type 9; de Barsy syndrome; Cutis laxa, autosomal dominant 3. Last evaluated: 2025-12-24. Review status: criteria provided, single submitter. Criteria: Invitae Variant Classification Sherloc (09022015). Collection method: clinical testing. Allele origin: germline.

CeGaT Center for Human Genetics Tuebingen
Classification: Uncertain significance. Last evaluated: 2025-01-01. Review status: criteria provided, single submitter. Criteria: CeGaT Center For Human Genetics Tuebingen Variant Classification Criteria Version 2. Collection method: clinical testing. Allele origin: germline. Affected: yes. Observed: 1 variant allele.
Comment: ALDH18A1: PM2, BP4

PreventionGenetics, part of Exact Sciences
Classification: Likely benign for ALDH18A1-related condition. Last evaluated: 2024-10-23. Review status: criteria provided, single submitter. Criteria: ACMG Guidelines, 2015. Collection method: clinical testing. Allele origin: germline.
Comment: This variant is classified as likely benign based on ACMG/AMP sequence variant interpretation guidelines (Richards et al. 2015 PMID: 25741868, with internal and published modifications).

Ambry Genetics
Classification: Likely benign for Inborn genetic diseases. Last evaluated: 2022-05-20. Review status: criteria provided, single submitter. Criteria: Ambry Variant Classification Scheme 2023. Collection method: clinical testing. Allele origin: germline.

GeneDx
Classification: Likely benign. Last evaluated: 2020-04-02. Review status: criteria provided, single submitter. Criteria: GeneDx Variant Classification Process June 2021. Collection method: clinical testing. Allele origin: germline. Affected: yes.

Illumina Laboratory Services, Illumina
Classification: Uncertain significance for ALDH18A1-related de Barsy syndrome. Last evaluated: 2018-01-12. Review status: criteria provided, single submitter. Criteria: ICSL Variant Classification Criteria 13 December 2019. Collection method: clinical testing. Allele origin: germline.